The following is an entry in ClinVar:

ClinVar aggregate classification (germline): Benign/Likely benign. Review status: criteria provided, multiple submitters, no conflicts (2 of 4 stars). 2 submissions from 2 submitters: Benign (1); Likely benign (1). Last evaluated 2025-04-03.

Conditions:
Adams-Oliver syndrome 5 (AOS5). Identifiers: Orphanet 974, MedGen C4014970, MONDO:0014459, OMIM 616028.

Allele frequency attached by ClinVar (database versions not stated): gnomAD 0.00001 and 0.00004; TOPMed 0.00003; gnomAD exomes 0.00008 and 0.00015; ExAC 0.00019.
gnomAD v4.1: 119 of 1,612,452 alleles (0.0074%); highest among the groups gnomAD compares: South Asian, 0.1%; no homozygotes.

Submissions (2):

Labcorp Genetics (formerly Invitae), Labcorp
Classification: Benign for Adams-Oliver syndrome 5. Last evaluated: 2025-04-03. Review status: criteria provided, single submitter. Criteria: Invitae Variant Classification Sherloc (09022015). Collection method: clinical testing. Allele origin: germline.

GeneDx
Classification: Likely benign. Last evaluated: 2017-12-26. Review status: criteria provided, single submitter. Criteria: GeneDx Variant Classification (06012015). Collection method: clinical testing. Allele origin: germline. Affected: yes.
Comment: This variant is considered likely benign or benign based on one or more of the following criteria: it is a conservative change, it occurs at a poorly conserved position in the protein, it is predicted to be benign by multiple in silico algorithms, and/or has population frequency not consistent with disease.

NM_017617.5(NOTCH1):c.743-18C>T

Genes: MIR4673 (microRNA 4673; minus strand), NOTCH1 (notch receptor 1; minus strand). Cytogenetic location: 9q34.3.
Variant type: single nucleotide variant.
Coding change: c.743-18C>T on transcript NM_017617.5 (MANE Select); 18 bases into the intron before coding-DNA position 743, C replaced by T.
Molecular consequence: intron variant. On other transcripts: non-coding transcript variant (1).
Genome position (GRCh38, 1-based): chr9:136,519,583, G>A on the plus strand (C>T on the coding strand, the complement: NOTCH1 is on the minus strand). VCF-style: chr9-136519583-G-A. GRCh37 (hg19) VCF-style: chr9-139414035-G-A.
Other names: c.743-18C>T (LRG_1122t1).
Identifiers: ClinVar variation 514189 (VCV000514189.4), dbSNP rs769949581, ClinGen allele CA5342058.